The following is an entry in ClinVar:

ClinVar aggregate classification (germline): Uncertain significance. Review status: criteria provided, multiple submitters, no conflicts (2 of 4 stars). 3 submissions from 3 submitters: Uncertain significance (3). Last evaluated 2025-01-06.

Conditions:
Inborn genetic diseases. Identifiers: MedGen C0950123, MeSH D030342.

gnomAD v4.1: 7 of 1,613,664 alleles (0.00043%); highest among the groups gnomAD compares: African/African-American, 0.0093%; no homozygotes.

Submissions (3):

GeneDx
Classification: Uncertain significance. Last evaluated: 2025-01-06. Review status: criteria provided, single submitter. Criteria: GeneDx Variant Classification Process June 2021. Collection method: clinical testing. Allele origin: germline. Affected: yes.
Comment: Not observed at significant frequency in large population cohorts (gnomAD); In silico analysis indicates that this missense variant does not alter protein structure/function; Has not been previously published as pathogenic or benign to our knowledge

Ambry Genetics
Classification: Uncertain significance for Inborn genetic diseases. Last evaluated: 2024-11-23. Review status: criteria provided, single submitter. Criteria: Ambry Variant Classification Scheme 2023. Collection method: clinical testing. Allele origin: germline.
Comment: The p.K894E variant (also known as c.2680A>G), located in coding exon 23 of the ANKRD26 gene, results from an A to G substitution at nucleotide position 2680. The lysine at codon 894 is replaced by glutamic acid, an amino acid with similar properties. This amino acid position is conserved. In addition, this alteration is predicted to be tolerated by in silico analysis. Based on the available evidence, the clinical significance of this variant remains unclear.

Labcorp Genetics (formerly Invitae), Labcorp
Classification: Uncertain significance. Last evaluated: 2024-03-05. Review status: criteria provided, single submitter. Criteria: Invitae Variant Classification Sherloc (09022015). Collection method: clinical testing. Allele origin: germline.
Comment: This sequence change replaces lysine, which is basic and polar, with glutamic acid, which is acidic and polar, at codon 894 of the ANKRD26 protein (p.Lys894Glu). This variant is present in population databases (rs200788967, gnomAD 0.02%). This variant has not been reported in the literature in individuals affected with ANKRD26-related conditions. Algorithms developed to predict the effect of missense changes on protein structure and function output the following: SIFT: "Not Available"; PolyPhen-2: "Benign"; Align-GVGD: "Not Available". The glutamic acid amino acid residue is found in multiple mammalian species, which suggests that this missense change does not adversely affect protein function. In summary, the available evidence is currently insufficient to determine the role of this variant in disease. Therefore, it has been classified as a Variant of Uncertain Significance.

NM_014915.3(ANKRD26):c.2680A>G (p.Lys894Glu)

Gene: ANKRD26 (ankyrin repeat domain 26; minus strand). Cytogenetic location: 10p12.1.
Variant type: single nucleotide variant.
Coding change: c.2680A>G on transcript NM_014915.3 (MANE Select); coding-DNA position 2680, A replaced by G.
Protein change: p.Lys894Glu; replaces lysine 894 with glutamic acid.
Molecular consequence: missense variant.
Genome position (GRCh38, 1-based): chr10:27,037,203, T>C on the plus strand (A>G on the coding strand, the complement: ANKRD26 is on the minus strand). VCF-style: chr10-27037203-T-C. GRCh37 (hg19) VCF-style: chr10-27326132-T-C.
Other names: c.2677A>G, p.Lys893Glu (NM_001256053.2); short protein forms K894E, K893E.
Identifiers: ClinVar variation 3395295 (VCV003395295.4).